The following is an entry in ClinVar:

ClinVar aggregate classification (germline): Benign. Review status: criteria provided, multiple submitters, no conflicts (2 of 4 stars). 4 submissions from 4 submitters: Benign (4). Last evaluated 2025-12-28.

Conditions:
Multiple cutaneous and mucosal venous malformations (VMCM). Also called: TEK-Related Multiple Cutaneous and Mucosal Venous Malformations (VMCM). Identifiers: Orphanet 2451, MedGen C1838437, MONDO:0010842, OMIM 600195.

Allele frequency attached by ClinVar (database versions not stated): gnomAD 0.01590 and 0.01489; gnomAD exomes 0.00415; TOPMed 0.01615; 1000 Genomes Project 0.01737; ExAC 0.00506; ESP Exome Variant Server 0.01722; 1000 Genomes Project 30x 0.01952.

Submissions (4):

Labcorp Genetics (formerly Invitae), Labcorp
Classification: Benign. Last evaluated: 2025-12-28. Review status: criteria provided, single submitter. Criteria: Invitae Variant Classification Sherloc (09022015). Collection method: clinical testing. Allele origin: germline.

Mayo Clinic Laboratories, Mayo Clinic
Classification: Benign. Last evaluated: 2023-02-17. Review status: criteria provided, single submitter. Criteria: ACMG Guidelines, 2015. Collection method: clinical testing. Allele origin: germline. Observed: 11 variant alleles.

Illumina Laboratory Services, Illumina
Classification: Benign for Multiple cutaneous and mucosal venous malformations. Last evaluated: 2018-01-12. Review status: criteria provided, single submitter. Criteria: ICSL Variant Classification Criteria 13 December 2019. Collection method: clinical testing. Allele origin: germline.
Comment: This variant was observed in the ICSL laboratory as part of a predisposition screen in an ostensibly healthy population. It had not been previously curated by ICSL or reported in the Human Gene Mutation Database (HGMD: prior to June 1st, 2018), and was therefore a candidate for classification through an automated scoring system. Utilizing variant allele frequency, disease prevalence and penetrance estimates, and inheritance mode, an automated score was calculated to assess if this variant is too frequent to cause the disease. Based on the score and internal cut-off values, a variant classified as benign is not then subjected to further curation. The score for this variant resulted in a classification of benign for this disease.

Breakthrough Genomics
Classification: Benign. Review status: criteria provided, single submitter. Criteria: ACMG Guidelines, 2015. Collection method: not provided. Allele origin: germline. Inheritance: Autosomal dominant inheritance. Affected: yes.

NM_000459.5(TEK):c.234G>A (p.Val78=)

Gene: TEK (TEK receptor tyrosine kinase; plus strand). Cytogenetic location: 9p21.2.
Variant type: single nucleotide variant.
Coding change: c.234G>A on transcript NM_000459.5 (MANE Select); coding-DNA position 234, G replaced by A.
Protein change: p.Val78=; no amino-acid change (valine 78 retained).
Molecular consequence: synonymous variant. On other transcripts: intron variant (1).
Genome position (GRCh38, 1-based): chr9:27,158,012, G>A. VCF-style: chr9-27158012-G-A. GRCh37 (hg19) VCF-style: chr9-27158010-G-A.
Other names: p.Val78=; c.234G>A, p.Val78= (NM_001290077.2, NM_001375475.1, NM_001375476.1); c.53-10483G>A (NM_001290078.2).
Identifiers: ClinVar variation 366392 (VCV000366392.16), dbSNP rs55892210, ClinGen allele CA5015866.